The following is an entry in ClinVar:

NM_022124.6(CDH23):c.3541_3559del (p.Tyr1181fs)

Genes: C10orf105 (chromosome 10 open reading frame 105; minus strand), CDH23 (cadherin related 23; plus strand). Cytogenetic location: 10q22.1.
Variant type: Deletion.
Coding change: c.3541_3559del on transcript NM_022124.6 (MANE Select); coding-DNA positions 3541 to 3559, 19 bases deleted (TACAACCACGACCTGGGCC).
Protein change: p.Tyr1181fs; shifts the reading frame from tyrosine 1181.
Molecular consequence: frameshift variant. On other transcripts: intron variant (1).
Genome position (GRCh38, 1-based): chr10:71,725,482-71,725,500, TACAACCACGACCTGGGCC deleted; deleting any 19 consecutive bases within chr10:71,725,478-71,725,500 gives the same sequence; the c. name uses the placement nearest the transcript's 3' end. VCF-style (leftmost placement, unchanged base first): chr10-71725477-AGGCCTACAACCACGACCTG-A. GRCh37 (hg19) VCF-style: chr10-73485234-AGGCCTACAACCACGACCTG-A.
Other names: c.3541_3559del, p.Tyr1181fs (NM_001171930.2); c.-5-9154_-5-9136del (NM_001168390.2); short protein forms Y1181fs.
Identifiers: ClinVar variation 2763587 (VCV002763587.3), dbSNP rs2494152903, ClinGen allele CA2697558491.

ClinVar aggregate classification (germline): Pathogenic (1 of 4 stars; one submission).

Submission:

Labcorp Genetics (formerly Invitae), Labcorp
Classification: Pathogenic. Last evaluated: 2023-06-03. Review status: criteria provided, single submitter. Criteria: Invitae Variant Classification Sherloc (09022015). Collection method: clinical testing. Allele origin: germline.
Comment: This sequence change creates a premature translational stop signal (p.Tyr1181Profs*8) in the CDH23 gene. It is expected to result in an absent or disrupted protein product. Loss-of-function variants in CDH23 are known to be pathogenic (PMID: 11138009, 21940737). This variant is not present in population databases (gnomAD no frequency). This variant has not been reported in the literature in individuals affected with CDH23-related conditions. For these reasons, this variant has been classified as Pathogenic.

Literature cited by the submitters: PubMed 11138009; PubMed 21940737.